The following is an entry in ClinVar:

NM_000478.6(ALPL):c.1263C>T (p.Tyr421=)

Gene: ALPL (alkaline phosphatase, biomineralization associated; plus strand). Cytogenetic location: 1p36.12.
Variant type: single nucleotide variant.
Coding change: c.1263C>T on transcript NM_000478.6 (MANE Select); coding-DNA position 1263, C replaced by T.
Protein change: p.Tyr421=; no amino-acid change (tyrosine 421 retained).
Molecular consequence: synonymous variant.
Genome position (GRCh38, 1-based): chr1:21,576,595, C>T. VCF-style: chr1-21576595-C-T. GRCh37 (hg19) VCF-style: chr1-21903088-C-T.
Other names: c.1098C>T, p.Tyr366= (NM_001127501.4); c.1032C>T, p.Tyr344= (NM_001177520.3); c.1263C>T, p.Tyr421= (NM_001369803.2, NM_001369804.2, NM_001369805.2); c.1263C>T (NM_000478.5).
Identifiers: ClinVar variation 876710 (VCV000876710.14), dbSNP rs780762265, ClinGen allele CA19071242.

ClinVar aggregate classification (germline): Conflicting classifications of pathogenicity. Review status: criteria provided, conflicting classifications (1 of 4 stars). 3 submissions from 3 submitters: Uncertain significance (1); Likely benign (1). 1 of the submissions does not count toward it. Last evaluated 2024-02-19.

Conditions:
Hypophosphatasia. Also called: Phosphoethanol-aminuria. Identifiers: Orphanet 436, MedGen C0020630, MeSH D007014, MONDO:0018570.
ALPL-related disorder. Also called: ALPL-related condition; ALPL-related disorders.

Allele frequency attached by ClinVar (database versions not stated): gnomAD exomes below 0.00001 and 0.00001; TOPMed 0.00003.
gnomAD v4.1: 8 of 1,613,938 alleles (0.0005%); highest among the groups gnomAD compares: Non-Finnish European, 0.00068%; no homozygotes.

Submissions (3):

Labcorp Genetics (formerly Invitae), Labcorp
Classification: Likely benign. Last evaluated: 2024-02-19. Review status: criteria provided, single submitter. Criteria: Invitae Variant Classification Sherloc (09022015). Collection method: clinical testing. Allele origin: germline.

Illumina Laboratory Services, Illumina
Classification: Uncertain significance for Hypophosphatasia. Last evaluated: 2018-01-13. Review status: criteria provided, single submitter. Criteria: ICSL Variant Classification Criteria 13 December 2019. Collection method: clinical testing. Allele origin: germline.

PreventionGenetics, part of Exact Sciences
Classification: Likely benign for ALPL-related condition. Last evaluated: 2020-11-09. Review status: no assertion criteria provided. Collection method: clinical testing. Allele origin: germline. Not counted in ClinVar's aggregate classification.
Comment: This variant is classified as likely benign based on ACMG/AMP sequence variant interpretation guidelines (Richards et al. 2015 PMID: 25741868, with internal and published modifications).